The following is an entry in ClinVar:

NM_006231.4(POLE):c.977C>T (p.Pro326Leu)

Gene: POLE (DNA polymerase epsilon, catalytic subunit; minus strand). Cytogenetic location: 12q24.33.
Variant type: single nucleotide variant.
Coding change: c.977C>T on transcript NM_006231.4 (MANE Select); coding-DNA position 977, C replaced by T.
Protein change: p.Pro326Leu; replaces proline 326 with leucine.
Molecular consequence: missense variant.
Genome position (GRCh38, 1-based): chr12:132,676,137, G>A on the plus strand (C>T on the coding strand, the complement: POLE is on the minus strand). VCF-style: chr12-132676137-G-A. GRCh37 (hg19) VCF-style: chr12-133252723-G-A.
Other names: short protein forms P326L.
Identifiers: ClinVar variation 3422210 (VCV003422210.3).

ClinVar aggregate classification (germline): Uncertain significance. Review status: criteria provided, multiple submitters, no conflicts (2 of 4 stars). 2 submissions from 2 submitters: Uncertain significance (2). Last evaluated 2024-10-25.

Conditions:
Hereditary cancer-predisposing syndrome. Also called: Neoplastic Syndromes, Hereditary; Tumor predisposition; Hereditary Cancer Syndrome; Hereditary neoplastic syndrome. Identifiers: Orphanet 140162, MedGen C0027672, MeSH D009386, MONDO:0015356.

Submissions (2):

Ambry Genetics
Classification: Uncertain significance for Hereditary cancer-predisposing syndrome. Last evaluated: 2024-10-25. Review status: criteria provided, single submitter. Criteria: Ambry Variant Classification Scheme 2023. Collection method: clinical testing. Allele origin: germline.
Comment: The p.P326L variant (also known as c.977C>T), located in coding exon 10 of the POLE gene, results from a C to T substitution at nucleotide position 977. The proline at codon 326 is replaced by leucine, an amino acid with similar properties. This amino acid position is conserved. In addition, this alteration is predicted to be tolerated by in silico analysis. Based on the available evidence, the clinical significance of this variant remains unclear.

Labcorp Genetics (formerly Invitae), Labcorp
Classification: Uncertain significance. Last evaluated: 2024-07-26. Review status: criteria provided, single submitter. Criteria: Invitae Variant Classification Sherloc (09022015). Collection method: clinical testing. Allele origin: germline.
Comment: This sequence change replaces proline, which is neutral and non-polar, with leucine, which is neutral and non-polar, at codon 326 of the POLE protein (p.Pro326Leu). This variant is not present in population databases (gnomAD no frequency). This variant has not been reported in the literature in individuals affected with POLE-related conditions. Advanced modeling of protein sequence and biophysical properties (such as structural, functional, and spatial information, amino acid conservation, physicochemical variation, residue mobility, and thermodynamic stability) performed at Invitae indicates that this missense variant is expected to disrupt POLE protein function with a positive predictive value of 80%. In summary, the available evidence is currently insufficient to determine the role of this variant in disease. Therefore, it has been classified as a Variant of Uncertain Significance.